The following is an entry in ClinVar:

ClinVar aggregate classification (germline): Likely benign (1 of 4 stars; one submission).

Allele frequency attached by ClinVar (database versions not stated): TOPMed 0.00145; 1000 Genomes Project 30x 0.00156; 1000 Genomes Project 0.00180; gnomAD 0.00186; gnomAD exomes 0.00341.

Submission:

CeGaT Center for Human Genetics Tuebingen
Classification: Likely benign. Last evaluated: 2023-04-01. Review status: criteria provided, single submitter. Criteria: CeGaT Center For Human Genetics Tuebingen Variant Classification Criteria Version 2. Collection method: clinical testing. Allele origin: germline. Affected: yes. Observed: 4 variant alleles.
Comment: RYR3: BS1

NM_001036.6(RYR3):c.10503-1446_10503-1445del

Gene: RYR3 (ryanodine receptor 3; plus strand). Cytogenetic location: 15q14.
Variant type: Deletion.
Coding change: c.10503-1446_10503-1445del on transcript NM_001036.6 (MANE Select); 1446 bases into the intron before coding-DNA position 10503 through 1445 bases into the intron before coding-DNA position 10503, 2 bases deleted (AT; older notation c.10503-1446_10503-1445delAT).
Molecular consequence: intron variant.
Genome position (GRCh38, 1-based): chr15:33,815,416-33,815,417, AT deleted. VCF-style (leftmost placement, unchanged base first): chr15-33815415-CAT-C. GRCh37 (hg19) VCF-style: chr15-34107616-CAT-C.
Other names: c.10488-1446_10488-1445del (NM_001243996.4).
Identifiers: ClinVar variation 2645144 (VCV002645144.24), dbSNP rs528495656, ClinGen allele CA268567975.